The following is an entry in ClinVar:

ClinVar aggregate classification (germline): Uncertain significance (1 of 4 stars; one submission).

Conditions:
Baller-Gerold syndrome (BGS). Also called: CRANIOSYNOSTOSIS WITH RADIAL DEFECTS. Identifiers: Orphanet 1225, MedGen C0265308, MONDO:0009039, OMIM 218600.

gnomAD v4.1: 1 of 1,588,344 alleles (0.000063%); no homozygotes.

Submission:

Labcorp Genetics (formerly Invitae), Labcorp
Classification: Uncertain significance for Baller-Gerold syndrome. Last evaluated: 2023-07-31. Review status: criteria provided, single submitter. Criteria: Invitae Variant Classification Sherloc (09022015). Collection method: clinical testing. Allele origin: germline.
Comment: In summary, the available evidence is currently insufficient to determine the role of this variant in disease. Therefore, it has been classified as a Variant of Uncertain Significance. Experimental studies and prediction algorithms are not available or were not evaluated, and the functional significance of this variant is currently unknown. ClinVar contains an entry for this variant (Variation ID: 1419963). This variant has not been reported in the literature in individuals affected with RECQL4-related conditions. This variant is not present in population databases (gnomAD no frequency). This sequence change replaces alanine, which is neutral and non-polar, with valine, which is neutral and non-polar, at codon 40 of the RECQL4 protein (p.Ala40Val).

NM_004260.4(RECQL4):c.119C>T (p.Ala40Val)

Genes: RECQL4 (RecQ like helicase 4; minus strand), LOC130001411 (ATAC-STARR-seq lymphoblastoid silent region 19699; plus strand). Cytogenetic location: 8q24.3.
Variant type: single nucleotide variant.
Coding change: c.119C>T on transcript NM_004260.4 (MANE Select); coding-DNA position 119, C replaced by T.
Protein change: p.Ala40Val; replaces alanine 40 with valine.
Molecular consequence: missense variant.
Genome position (GRCh38, 1-based): chr8:144,517,508, G>A on the plus strand (C>T on the coding strand, the complement: RECQL4 is on the minus strand). VCF-style: chr8-144517508-G-A. GRCh37 (hg19) VCF-style: chr8-145742892-G-A.
Other names: short protein forms A40V.
Identifiers: ClinVar variation 1419963 (VCV001419963.6), dbSNP rs1320945281, ClinGen allele CA372692804.